The following is an entry in ClinVar:

ClinVar aggregate classification (germline): Uncertain significance (1 of 4 stars; one submission).

Allele frequency attached by ClinVar (database versions not stated): gnomAD exomes below 0.00001.

Submission:

Labcorp Genetics (formerly Invitae), Labcorp
Classification: Uncertain significance. Last evaluated: 2023-04-25. Review status: criteria provided, single submitter. Criteria: Invitae Variant Classification Sherloc (09022015). Collection method: clinical testing. Allele origin: germline.
Comment: This variant has not been reported in the literature in individuals affected with POLE-related conditions. This variant is not present in population databases (gnomAD no frequency). This sequence change replaces phenylalanine, which is neutral and non-polar, with tyrosine, which is neutral and polar, at codon 389 of the POLE protein (p.Phe389Tyr). In summary, the available evidence is currently insufficient to determine the role of this variant in disease. Therefore, it has been classified as a Variant of Uncertain Significance. Advanced modeling of protein sequence and biophysical properties (such as structural, functional, and spatial information, amino acid conservation, physicochemical variation, residue mobility, and thermodynamic stability) performed at Invitae indicates that this missense variant is not expected to disrupt POLE protein function. ClinVar contains an entry for this variant (Variation ID: 568010).

NM_006231.4(POLE):c.1166T>A (p.Phe389Tyr)

Gene: POLE (DNA polymerase epsilon, catalytic subunit; minus strand). Cytogenetic location: 12q24.33.
Variant type: single nucleotide variant.
Coding change: c.1166T>A on transcript NM_006231.4 (MANE Select); coding-DNA position 1166, T replaced by A.
Protein change: p.Phe389Tyr; replaces phenylalanine 389 with tyrosine.
Molecular consequence: missense variant.
Genome position (GRCh38, 1-based): chr12:132,675,458, A>T on the plus strand (T>A on the coding strand, the complement: POLE is on the minus strand). VCF-style: chr12-132675458-A-T. GRCh37 (hg19) VCF-style: chr12-133252044-A-T.
Other names: short protein forms F389Y.
Identifiers: ClinVar variation 568010 (VCV000568010.8), dbSNP rs1565975150, ClinGen allele CA387360925.